The following is an entry in ClinVar:

ClinVar aggregate classification (germline): Uncertain significance (1 of 4 stars; one submission).

Conditions:
Hereditary cancer-predisposing syndrome. Also called: Neoplastic Syndromes, Hereditary; Tumor predisposition; Hereditary Cancer Syndrome; Hereditary neoplastic syndrome. Identifiers: Orphanet 140162, MedGen C0027672, MeSH D009386, MONDO:0015356.

Submission:

Ambry Genetics
Classification: Uncertain significance for Hereditary cancer-predisposing syndrome. Last evaluated: 2026-07-09. Review status: criteria provided, single submitter. Criteria: Ambry Variant Classification Scheme 2023. Collection method: clinical testing. Allele origin: germline.
Comment: The p.Y643H variant (also known as c.1927T>C), located in coding exon 17 of the TSC2 gene, results from a T to C substitution at nucleotide position 1927. The tyrosine at codon 643 is replaced by histidine, an amino acid with similar properties. This amino acid position is conserved. In addition, this alteration is predicted to be deleterious by in silico analysis. Based on the available evidence, the clinical significance of this variant remains unclear.

NM_000548.5(TSC2):c.1927T>C (p.Tyr643His)

Gene: TSC2 (TSC complex subunit 2; plus strand). Cytogenetic location: 16p13.3.
Variant type: single nucleotide variant.
Coding change: c.1927T>C on transcript NM_000548.5 (MANE Select); coding-DNA position 1927, T replaced by C.
Protein change: p.Tyr643His; replaces tyrosine 643 with histidine.
Molecular consequence: missense variant. On other transcripts: non-coding transcript variant (5).
Genome position (GRCh38, 1-based): chr16:2,071,597, T>C. VCF-style: chr16-2071597-T-C. GRCh37 (hg19) VCF-style: chr16-2121598-T-C.
Other names: c.1927T>C, p.Tyr643His (NM_001077183.3, NM_001114382.3, NM_001363528.2 and 6 more transcripts); c.1816T>C, p.Tyr606His (NM_001318827.2, NM_001406670.1, NM_001406678.1); c.1780T>C, p.Tyr594His (NM_001318829.2, NM_001406675.1, NM_001406676.1 and 1 more transcripts); c.1327T>C, p.Tyr443His (NM_001318831.2, NM_001406682.1, NM_001406683.1 and 6 more transcripts); c.1960T>C, p.Tyr654His (NM_001318832.2); c.2017T>C, p.Tyr673His (NM_001406667.1, NM_001406668.1); c.583T>C, p.Tyr195His (NM_001406689.1, NM_001406690.1, NM_001406691.1 and 6 more transcripts); c.325T>C, p.Tyr109His (NM_001406698.1); and 3 more; short protein forms Y443H, Y489H, Y594H, Y606H, Y624H, Y109H, Y643H, Y673H.
Identifiers: ClinVar variation 4557677 (VCV004557677.2).